The following is an entry in ClinVar:

ClinVar aggregate classification (germline): Benign (3 of 4 stars; one submission).

Conditions:
Lynch syndrome. Identifiers: Orphanet 144, MedGen C4552100, MONDO:0005835. Disease mechanism: loss of function.

Allele frequency attached by ClinVar (database versions not stated): 1000 Genomes Project 30x 0.06808; 1000 Genomes Project 0.06849; gnomAD 0.12607 and 0.12872; TOPMed 0.12701.
gnomAD v4.1: 19,232 of 152,062 alleles (13%); highest among the groups gnomAD compares: Non-Finnish European, 19%; 1,546 homozygotes.

Submission:

International Society for Gastrointestinal Hereditary Tumours (InSiGHT)
Classification: Benign for Lynch Syndrome. Last evaluated: 2013-09-05. Review status: reviewed by expert panel. Criteria: Guidelines v1.9. Collection method: research. Allele origin: germline.
Comment: MAF >1%

Classified with v1.9 guidelines
ClinVar note: Converted during submission from no known pathogenicity to Benign.

NM_000179.3(MSH6):c.457+394T>C

Gene: MSH6 (mutS homolog 6; plus strand). Cytogenetic location: 2p16.3.
Variant type: single nucleotide variant.
Coding change: c.457+394T>C on transcript NM_000179.3 (MANE Select); 394 bases into the intron after coding-DNA position 457, T replaced by C.
Molecular consequence: intron variant.
Genome position (GRCh38, 1-based): chr2:47,791,517, T>C. VCF-style: chr2-47791517-T-C. GRCh37 (hg19) VCF-style: chr2-48018656-T-C.
Other names: c.-280+394T>C (NM_001281493.2); c.238-7094T>C (NM_001281492.2); c.-446+394T>C (NM_001281494.2).
Identifiers: ClinVar variation 89525 (VCV000089525.3), dbSNP rs3136284, ClinGen allele CA015590.